The following is an entry in ClinVar:

ClinVar aggregate classification (germline): Uncertain significance (1 of 4 stars; one submission).

Conditions:
Hereditary cancer-predisposing syndrome. Also called: Neoplastic Syndromes, Hereditary; Tumor predisposition; Hereditary Cancer Syndrome; Hereditary neoplastic syndrome. Identifiers: Orphanet 140162, MedGen C0027672, MeSH D009386, MONDO:0015356.

Submission:

Ambry Genetics
Classification: Uncertain significance for Hereditary cancer-predisposing syndrome. Last evaluated: 2023-08-07. Review status: criteria provided, single submitter. Criteria: Ambry Variant Classification Scheme 2023. Collection method: clinical testing. Allele origin: germline.
Comment: The p.R124P variant (also known as c.371G>C), located in coding exon 2 of the CDKN2A gene, results from a G to C substitution at nucleotide position 371. The arginine at codon 124 is replaced by proline, an amino acid with dissimilar properties. This amino acid position is poorly conserved in available vertebrate species. In addition, the in silico prediction for this alteration is inconclusive. Since supporting evidence is limited at this time, the clinical significance of this alteration remains unclear.

NM_000077.5(CDKN2A):c.371G>C (p.Arg124Pro)

Gene: CDKN2A (cyclin dependent kinase inhibitor 2A; minus strand). Cytogenetic location: 9p21.3.
Variant type: single nucleotide variant.
Coding change: c.371G>C on transcript NM_000077.5; coding-DNA position 371, G replaced by C.
Protein change: p.Arg124Pro; replaces arginine 124 with proline.
Molecular consequence: missense variant (on NM_000077.6). On other transcripts: 3 prime UTR variant (2).
Genome position (GRCh38, 1-based): chr9:21,970,988, C>G on the plus strand (G>C on the coding strand, the complement: CDKN2A is on the minus strand). VCF-style: chr9-21970988-C-G. GRCh37 (hg19) VCF-style: chr9-21970987-C-G.
Other names: c.371G>C, p.Arg124Pro (NM_000077.6, NM_001195132.2); c.218G>C, p.Arg73Pro (NM_001363763.2); c.*15G>C (NM_058195.4); c.*294G>C (NM_058197.5); short protein forms R124P, R73P.
Identifiers: ClinVar variation 824122 (VCV000824122.5), dbSNP rs747621669, ClinGen allele CA373085964.